The following is an entry in ClinVar:

ClinVar aggregate classification (germline): Uncertain significance (1 of 4 stars; one submission).

Allele frequency attached by ClinVar (database versions not stated): gnomAD exomes below 0.00001.
gnomAD v4.1: 1 of 1,614,172 alleles (0.000062%); highest among the groups gnomAD compares: Non-Finnish European, 0.000085%; no homozygotes.

Submission:

Ambry Genetics
Classification: Uncertain significance. Last evaluated: 2023-05-18. Review status: criteria provided, single submitter. Criteria: Ambry Variant Classification Scheme 2023. Collection method: clinical testing. Allele origin: germline.
Comment: The p.T807A variant (also known as c.2419A>G), located in coding exon 1 of the MLH3 gene, results from an A to G substitution at nucleotide position 2419. The threonine at codon 807 is replaced by alanine, an amino acid with similar properties. This amino acid position is conserved. In addition, this alteration is predicted to be tolerated by in silico analysis. Since supporting evidence is limited at this time, the clinical significance of this alteration remains unclear.

NM_001040108.2(MLH3):c.2419A>G (p.Thr807Ala)

Gene: MLH3 (mutL homolog 3; minus strand). Cytogenetic location: 14q24.3.
Variant type: single nucleotide variant.
Coding change: c.2419A>G on transcript NM_001040108.2 (MANE Select); coding-DNA position 2419, A replaced by G.
Protein change: p.Thr807Ala; replaces threonine 807 with alanine.
Molecular consequence: missense variant.
Genome position (GRCh38, 1-based): chr14:75,047,237, T>C on the plus strand (A>G on the coding strand, the complement: MLH3 is on the minus strand). VCF-style: chr14-75047237-T-C. GRCh37 (hg19) VCF-style: chr14-75513940-T-C.
Other names: c.2419A>G, p.Thr807Ala (NM_014381.3); short protein forms T807A.
Identifiers: ClinVar variation 2563566 (VCV002563566.2), dbSNP rs2503270714, ClinGen allele CA390440629.